The following is an entry in ClinVar:

ClinVar aggregate classification (germline): Uncertain significance. Review status: criteria provided, multiple submitters, no conflicts (2 of 4 stars). 4 submissions from 4 submitters: Uncertain significance (4). Last evaluated 2025-03-20.

Conditions:
Hereditary insensitivity to pain with anhidrosis (CIPA). Also called: FAMILIAL DYSAUTONOMIA, TYPE II; NEUROPATHY, CONGENITAL SENSORY, WITH ANHIDROSIS; INSENSITIVITY TO PAIN, CONGENITAL, WITH ANHIDROSIS; hereditary sensory and autonomic neuropathy type 4; HSAN Type IV; NTRK1 Congenital Insensitivity to Pain with Anhidrosis. Identifiers: Orphanet 642, MedGen C0020074, MONDO:0009746, OMIM 256800.

Allele frequency attached by ClinVar (database versions not stated): gnomAD 0.00001; gnomAD exomes 0.00001; TOPMed 0.00002.
gnomAD v4.1: 20 of 1,591,440 alleles (0.0013%); highest among the groups gnomAD compares: Admixed American, 0.0035%; no homozygotes.

Submissions (4):

Mayo Clinic Laboratories, Mayo Clinic
Classification: Uncertain significance. Last evaluated: 2025-03-20. Review status: criteria provided, single submitter. Criteria: ACMG Guidelines, 2015. Collection method: clinical testing. Allele origin: germline. Observed: 1 variant allele.
Comment: PP3, PM2_supporting

Genome-Nilou Lab
Classification: Uncertain significance for Hereditary insensitivity to pain with anhidrosis. Last evaluated: 2023-04-11. Review status: criteria provided, single submitter. Criteria: ACMG Guidelines, 2015. Collection method: clinical testing. Allele origin: germline. Affected: no.

Labcorp Genetics (formerly Invitae), Labcorp
Classification: Uncertain significance for Hereditary insensitivity to pain with anhidrosis. Last evaluated: 2022-02-21. Review status: criteria provided, single submitter. Criteria: Invitae Variant Classification Sherloc (09022015). Collection method: clinical testing. Allele origin: germline.
Comment: This sequence change replaces arginine, which is basic and polar, with cysteine, which is neutral and slightly polar, at codon 744 of the NTRK1 protein (p.Arg744Cys). The frequency data for this variant in the population databases is considered unreliable, as metrics indicate poor data quality at this position in the gnomAD database. This variant has not been reported in the literature in individuals affected with NTRK1-related conditions. ClinVar contains an entry for this variant (Variation ID: 875700). Advanced modeling of protein sequence and biophysical properties (such as structural, functional, and spatial information, amino acid conservation, physicochemical variation, residue mobility, and thermodynamic stability) performed at Invitae indicates that this missense variant is not expected to disrupt NTRK1 protein function. In summary, the available evidence is currently insufficient to determine the role of this variant in disease. Therefore, it has been classified as a Variant of Uncertain Significance.

Illumina Laboratory Services, Illumina
Classification: Uncertain significance for Hereditary insensitivity to pain with anhidrosis. Last evaluated: 2018-01-13. Review status: criteria provided, single submitter. Criteria: ICSL Variant Classification Criteria 13 December 2019. Collection method: clinical testing. Allele origin: germline.

NM_002529.4(NTRK1):c.2248C>T (p.Arg750Cys)

Gene: NTRK1 (neurotrophic receptor tyrosine kinase 1; plus strand). Cytogenetic location: 1q23.1.
Variant type: single nucleotide variant.
Coding change: c.2248C>T on transcript NM_002529.4 (MANE Select); coding-DNA position 2248, C replaced by T.
Protein change: p.Arg750Cys; replaces arginine 750 with cysteine.
Molecular consequence: missense variant.
Genome position (GRCh38, 1-based): chr1:156,881,499, C>T. VCF-style: chr1-156881499-C-T. GRCh37 (hg19) VCF-style: chr1-156851291-C-T.
Other names: p.Arg744Cys; c.2140C>T, p.Arg714Cys (NM_001007792.1); c.2230C>T, p.Arg744Cys (NM_001012331.2); short protein forms R750C, R714C, R744C.
Identifiers: ClinVar variation 875700 (VCV000875700.7), dbSNP rs1009726086, ClinGen allele CA31126042.